The following is an entry in ClinVar:

ClinVar aggregate classification (germline): Conflicting classifications of pathogenicity. Review status: criteria provided, conflicting classifications (1 of 4 stars). 5 submissions from 5 submitters: Uncertain significance (1); Benign (2); Likely benign (1). 1 of the submissions does not count toward it. Last evaluated 2026-01-28.

Conditions:
ABCA4-related disorder. Also called: ABCA4-related disorders; ABCA4-related condition. Identifiers: MedGen CN239167.

Allele frequency attached by ClinVar (database versions not stated): 1000 Genomes Project 0.00160; 1000 Genomes Project 30x 0.00172; TOPMed 0.00217; ESP Exome Variant Server 0.00238.

Submissions (5):

Labcorp Genetics (formerly Invitae), Labcorp
Classification: Benign. Last evaluated: 2026-01-28. Review status: criteria provided, single submitter. Criteria: Invitae Variant Classification Sherloc (09022015). Collection method: clinical testing. Allele origin: germline.

Blueprint Genetics
Classification: Likely benign. Last evaluated: 2024-11-25. Review status: criteria provided, single submitter. Criteria: ACMG Guidelines, 2015. Collection method: clinical testing. Allele origin: germline.

Illumina Laboratory Services, Illumina
Classification: Uncertain significance for ABCA4-Related Disorders. Last evaluated: 2018-01-12. Review status: criteria provided, single submitter. Criteria: ICSL Variant Classification Criteria 13 December 2019. Collection method: clinical testing. Allele origin: germline.

GeneDx
Classification: Benign. Last evaluated: 2015-03-04. Review status: criteria provided, single submitter. Criteria: GeneDx Variant Classification (06012015). Collection method: clinical testing. Allele origin: germline. Affected: yes.
Comment: This variant is considered likely benign or benign based on one or more of the following criteria: it is a conservative change, it occurs at a poorly conserved position in the protein, it is predicted to be benign by multiple in silico algorithms, and/or has population frequency not consistent with disease.

Retina International
No classification provided. Review status: no classification provided. Collection method: not provided. Allele origin: not provided. Not counted in ClinVar's aggregate classification.

NM_000350.3(ABCA4):c.4668-15C>T

Gene: ABCA4 (ATP binding cassette subfamily A member 4; minus strand). Cytogenetic location: 1p22.1.
Variant type: single nucleotide variant.
Coding change: c.4668-15C>T on transcript NM_000350.3 (MANE Select); 15 bases into the intron before coding-DNA position 4668, C replaced by T.
Molecular consequence: intron variant.
Genome position (GRCh38, 1-based): chr1:94,021,966, G>A on the plus strand (C>T on the coding strand, the complement: ABCA4 is on the minus strand). VCF-style: chr1-94021966-G-A. GRCh37 (hg19) VCF-style: chr1-94487522-G-A.
Identifiers: ClinVar variation 99308 (VCV000099308.15), dbSNP rs61754054, ClinGen allele CA285819.